The following is an entry in ClinVar:

NM_002098.6(GUCA1B):c.195C>T (p.Phe65=)

Gene: GUCA1B (guanylate cyclase activator 1B; minus strand). Cytogenetic location: 6p21.1.
Variant type: single nucleotide variant.
Coding change: c.195C>T on transcript NM_002098.6 (MANE Select); coding-DNA position 195, C replaced by T.
Protein change: p.Phe65=; no amino-acid change (phenylalanine 65 retained).
Molecular consequence: synonymous variant.
Genome position (GRCh38, 1-based): chr6:42,194,626, G>A on the plus strand (C>T on the coding strand, the complement: GUCA1B is on the minus strand). VCF-style: chr6-42194626-G-A. GRCh37 (hg19) VCF-style: chr6-42162364-G-A.
Identifiers: ClinVar variation 2656547 (VCV002656547.24), dbSNP rs1006530048, ClinGen allele CA138152829.

ClinVar aggregate classification (germline): Likely benign (1 of 4 stars; one submission).

Allele frequency attached by ClinVar (database versions not stated): gnomAD exomes below 0.00001; TOPMed 0.00001.
gnomAD v4.1: 5 of 1,610,458 alleles (0.00031%); highest among the groups gnomAD compares: Admixed American, 0.0017%; no homozygotes.

Submission:

CeGaT Center for Human Genetics Tuebingen
Classification: Likely benign. Last evaluated: 2023-03-01. Review status: criteria provided, single submitter. Criteria: CeGaT Center For Human Genetics Tuebingen Variant Classification Criteria Version 2. Collection method: clinical testing. Allele origin: germline. Affected: yes. Observed: 1 variant allele.
Comment: GUCA1B: BP4, BP7